The following is an entry in ClinVar:

ClinVar aggregate classification (germline): Uncertain significance (1 of 4 stars; one submission).

Conditions:
Nemaline myopathy 10 (NEM10). Identifiers: MedGen C4015360, MONDO:0014513, OMIM 616165.

Allele frequency attached by ClinVar (database versions not stated): TOPMed 0.00001.

Submission:

Labcorp Genetics (formerly Invitae), Labcorp
Classification: Uncertain significance for Nemaline myopathy 10. Last evaluated: 2022-07-28. Review status: criteria provided, single submitter. Criteria: Invitae Variant Classification Sherloc (09022015). Collection method: clinical testing. Allele origin: germline.
Comment: This variant is not present in population databases (gnomAD no frequency). This sequence change replaces glutamic acid, which is acidic and polar, with alanine, which is neutral and non-polar, at codon 30 of the LMOD3 protein (p.Glu30Ala). This variant has not been reported in the literature in individuals affected with LMOD3-related conditions. In summary, the available evidence is currently insufficient to determine the role of this variant in disease. Therefore, it has been classified as a Variant of Uncertain Significance. Algorithms developed to predict the effect of sequence changes on RNA splicing suggest that this variant may create or strengthen a splice site. Algorithms developed to predict the effect of missense changes on protein structure and function are either unavailable or do not agree on the potential impact of this missense change (SIFT: "Deleterious"; PolyPhen-2: "Probably Damaging"; Align-GVGD: "Class C0"). ClinVar contains an entry for this variant (Variation ID: 656879).

NM_198271.5(LMOD3):c.89A>C (p.Glu30Ala)

Genes: LMOD3 (leiomodin 3; minus strand), LOC126806710 (CDK7 strongly-dependent group 2 enhancer GRCh37_chr3:69170601-69171800; plus strand). Cytogenetic location: 3p14.1.
Variant type: single nucleotide variant.
Coding change: c.89A>C on transcript NM_198271.5 (MANE Select); coding-DNA position 89, A replaced by C.
Protein change: p.Glu30Ala; replaces glutamic acid 30 with alanine.
Molecular consequence: missense variant.
Genome position (GRCh38, 1-based): chr3:69,122,298, T>G on the plus strand (A>C on the coding strand, the complement: LMOD3 is on the minus strand). VCF-style: chr3-69122298-T-G. GRCh37 (hg19) VCF-style: chr3-69171449-T-G.
Other names: c.89A>C, p.Glu30Ala (NM_001304418.3); short protein forms E30A.
Identifiers: ClinVar variation 656879 (VCV000656879.6), dbSNP rs1314021691, ClinGen allele CA353479670.